The following is an entry in ClinVar:

ClinVar aggregate classification (germline): Conflicting classifications of pathogenicity. Review status: criteria provided, conflicting classifications (1 of 4 stars). 3 submissions from 3 submitters: Uncertain significance (2); Likely benign (1). Last evaluated 2025-03-14.

Conditions:
Cardiovascular phenotype. Identifiers: MedGen CN230736.
Dilated cardiomyopathy 1KK (CMD1KK). Identifiers: Orphanet 154, Orphanet 75249, MedGen C3714995, MONDO:0014100, OMIM 615248.

Allele frequency attached by ClinVar (database versions not stated): gnomAD 0.00001; gnomAD exomes 0.00001 and 0.00002; ExAC 0.00002.
gnomAD v4.1: 9 of 1,613,826 alleles (0.00056%); highest among the groups gnomAD compares: Admixed American, 0.005%; no homozygotes.

Submissions (3):

Ambry Genetics
Classification: Likely benign for Cardiovascular phenotype. Last evaluated: 2025-03-14. Review status: criteria provided, single submitter. Criteria: Ambry Variant Classification Scheme 2023. Collection method: clinical testing. Allele origin: germline.

GeneDx
Classification: Uncertain significance. Last evaluated: 2023-11-07. Review status: criteria provided, single submitter. Criteria: GeneDx Variant Classification Process June 2021. Collection method: clinical testing. Allele origin: germline. Affected: yes.
Comment: Has not been previously published as pathogenic or benign to our knowledge; In silico analysis supports that this missense variant does not alter protein structure/function

Labcorp Genetics (formerly Invitae), Labcorp
Classification: Uncertain significance for Dilated cardiomyopathy 1KK. Last evaluated: 2022-08-20. Review status: criteria provided, single submitter. Criteria: Invitae Variant Classification Sherloc (09022015). Collection method: clinical testing. Allele origin: germline.
Comment: In summary, the available evidence is currently insufficient to determine the role of this variant in disease. Therefore, it has been classified as a Variant of Uncertain Significance. Algorithms developed to predict the effect of missense changes on protein structure and function output the following: SIFT: "Tolerated"; PolyPhen-2: "Benign"; Align-GVGD: "Class C0". The leucine amino acid residue is found in multiple mammalian species, which suggests that this missense change does not adversely affect protein function. ClinVar contains an entry for this variant (Variation ID: 1057875). This variant has not been reported in the literature in individuals affected with MYPN-related conditions. This variant is present in population databases (rs749206570, gnomAD 0.007%). This sequence change replaces phenylalanine, which is neutral and non-polar, with leucine, which is neutral and non-polar, at codon 797 of the MYPN protein (p.Phe797Leu).

NM_032578.4(MYPN):c.2389T>C (p.Phe797Leu)

Gene: MYPN (myopalladin; plus strand). Cytogenetic location: 10q21.3.
Variant type: single nucleotide variant.
Coding change: c.2389T>C on transcript NM_032578.4 (MANE Select); coding-DNA position 2389, T replaced by C.
Protein change: p.Phe797Leu; replaces phenylalanine 797 with leucine.
Molecular consequence: missense variant. On other transcripts: non-coding transcript variant (2).
Genome position (GRCh38, 1-based): chr10:68,174,481, T>C. VCF-style: chr10-68174481-T-C. GRCh37 (hg19) VCF-style: chr10-69934238-T-C.
Other names: c.2389T>C (NM_032578.3, NM_032578.2); c.2389T>C, p.Phe797Leu (NM_001256267.2); c.1507T>C, p.Phe503Leu (NM_001256268.2); short protein forms F503L, F797L.
Identifiers: ClinVar variation 1057875 (VCV001057875.11), dbSNP rs749206570, ClinGen allele CA5522781.